The following is an entry in ClinVar:

ClinVar aggregate classification (germline): Uncertain significance. Review status: criteria provided, multiple submitters, no conflicts (2 of 4 stars). 2 submissions from 2 submitters: Uncertain significance (2). Last evaluated 2025-12-23.

Conditions:
Fanconi anemia (FA). Also called: Fanconi's anemia. Identifiers: Orphanet 84, MedGen C0015625, MeSH D005199, MONDO:0019391.
Inborn genetic diseases. Identifiers: MedGen C0950123, MeSH D030342.

Allele frequency attached by ClinVar (database versions not stated): gnomAD 0.00001; ExAC 0.00004; TOPMed 0.00011.
gnomAD v4.1: 17 of 1,613,996 alleles (0.0011%); highest among the groups gnomAD compares: Admixed American, 0.028%; 1 homozygote.

Submissions (2):

Labcorp Genetics (formerly Invitae), Labcorp
Classification: Uncertain significance for Fanconi anemia. Last evaluated: 2025-12-23. Review status: criteria provided, single submitter. Criteria: Invitae Variant Classification Sherloc (09022015). Collection method: clinical testing. Allele origin: germline.
Comment: This sequence change replaces methionine, which is neutral and non-polar, with isoleucine, which is neutral and non-polar, at codon 360 of the SLX4 protein (p.Met360Ile). This variant is present in population databases (rs575857775, gnomAD 0.04%), including at least one homozygous and/or hemizygous individual. This variant has not been reported in the literature in individuals affected with SLX4-related conditions. ClinVar contains an entry for this variant (Variation ID: 2414697). An algorithm developed to predict the effect of missense changes on protein structure and function (PolyPhen-2) suggests that this variant is likely to be disruptive. In summary, the available evidence is currently insufficient to determine the role of this variant in disease. Therefore, it has been classified as a Variant of Uncertain Significance.

Ambry Genetics
Classification: Uncertain significance for Inborn genetic diseases. Last evaluated: 2025-11-26. Review status: criteria provided, single submitter. Criteria: Ambry Variant Classification Scheme 2023. Collection method: clinical testing. Allele origin: germline.

NM_032444.4(SLX4):c.1080G>A (p.Met360Ile)

Gene: SLX4 (SLX4 structure-specific endonuclease subunit; minus strand). Cytogenetic location: 16p13.3.
Variant type: single nucleotide variant.
Coding change: c.1080G>A on transcript NM_032444.4 (MANE Select); coding-DNA position 1080, G replaced by A.
Protein change: p.Met360Ile; replaces methionine 360 with isoleucine.
Molecular consequence: missense variant.
Genome position (GRCh38, 1-based): chr16:3,601,062, C>T on the plus strand (G>A on the coding strand, the complement: SLX4 is on the minus strand). VCF-style: chr16-3601062-C-T. GRCh37 (hg19) VCF-style: chr16-3651063-C-T.
Other names: short protein forms M360I.
Identifiers: ClinVar variation 2414697 (VCV002414697.6), dbSNP rs575857775, ClinGen allele CA7866648.
Genomic context (GRCh38, chr16:3,601,062, plus strand): 5'-ACCCTCAGGCTGTGCTGTCTGCAGCCGCACAGCCTGAAGCAGGAGCTGGGGGCCAACCTC[C>T]ATCTTCACAGCACACTGCTTCAAGTGACTGGTTCTGCTCTTTAAGGTAAGAAACGGTTTC-3'
Protein context (NP_115820.2, residues 350-370): TSHLKQCAVK[Met360Ile]EVGPQLLLQA